The following is an entry in ClinVar:

ClinVar aggregate classification (germline): Uncertain significance. Review status: criteria provided, multiple submitters, no conflicts (2 of 4 stars). 4 submissions from 4 submitters: Uncertain significance (4). Last evaluated 2026-07-23.

Conditions:
Autoimmune interstitial lung disease-arthritis syndrome. Also called: Autoinflammation and autoimmunity, systemic, with immune dysregulation. Identifiers: Orphanet 444092, MedGen C5975714, MONDO:0014629.
Inborn genetic diseases. Identifiers: MedGen C0950123, MeSH D030342.
Autosomal dominant Alport syndrome (ATS3A). Also called: Alport syndrome dominant type; Renal failure and sensorineural hearing loss; ALPORT SYNDROME 3A, AUTOSOMAL DOMINANT. Identifiers: Orphanet 63, Orphanet 88918, MedGen C5882663, MONDO:0007086, OMIM 104200.

Allele frequency attached by ClinVar (database versions not stated): gnomAD exomes below 0.00001.
gnomAD v4.1: 2 of 1,614,112 alleles (0.00012%); highest among the groups gnomAD compares: Non-Finnish European, 0.00017%; no homozygotes.

Submissions (4):

Ambry Genetics
Classification: Uncertain significance for Inborn genetic diseases. Last evaluated: 2026-07-23. Review status: criteria provided, single submitter. Criteria: Ambry Variant Classification Scheme 2023. Collection method: clinical testing. Allele origin: germline.

Labcorp Genetics (formerly Invitae), Labcorp
Classification: Uncertain significance for Autoimmune interstitial lung disease-arthritis syndrome. Last evaluated: 2025-03-19. Review status: criteria provided, single submitter. Criteria: Invitae Variant Classification Sherloc (09022015). Collection method: clinical testing. Allele origin: germline.
Comment: This sequence change replaces glycine, which is neutral and non-polar, with serine, which is neutral and polar, at codon 56 of the COPA protein (p.Gly56Ser). This variant is present in population databases (no rsID available, gnomAD 0.0009%). This variant has not been reported in the literature in individuals affected with COPA-related conditions. ClinVar contains an entry for this variant (Variation ID: 2719481). Invitae Evidence Modeling of protein sequence and biophysical properties (such as structural, functional, and spatial information, amino acid conservation, physicochemical variation, residue mobility, and thermodynamic stability) indicates that this missense variant is not expected to disrupt COPA protein function with a negative predictive value of 80%. In summary, the available evidence is currently insufficient to determine the role of this variant in disease. Therefore, it has been classified as a Variant of Uncertain Significance.

Johns Hopkins Genomics, Johns Hopkins University
Classification: Uncertain significance for Autosomal dominant Alport syndrome. Last evaluated: 2024-11-12. Review status: criteria provided, single submitter. Criteria: ACMG Guidelines, 2015. Collection method: clinical testing. Allele origin: germline.
Comment: This COPA missense variant (rs1474470074) is rare (<0.1%) in a large population dataset (gnomAD v4.1.0: 2/1614112 total alleles, 0.0001%, 0 homozygotes) and has been reported in ClinVar (Variation ID: 2719481). Two bioinformatic tools queried predict that this substitution would be damaging to the protein, but these algorithms have low specificity, especially for predicting gain of function or dominant negative variants. The glycine residue is evolutionary conserved across most of the species assessed. We consider the clinical significance of c.166G>A in COPA to be uncertain at this time.

Blueprint Genetics
Classification: Uncertain significance. Last evaluated: 2024-04-11. Review status: criteria provided, single submitter. Criteria: ACMG Guidelines, 2015. Collection method: clinical testing. Allele origin: germline.

Literature cited by the submitters: PubMed 25894502 (cited by Johns Hopkins Genomics, Johns Hopkins University); PubMed 32919065 (cited by Johns Hopkins Genomics, Johns Hopkins University).

NM_004371.4(COPA):c.166G>A (p.Gly56Ser)

Gene: COPA (coat protein complex I subunit alpha; minus strand). Cytogenetic location: 1q23.2.
Variant type: single nucleotide variant.
Coding change: c.166G>A on transcript NM_004371.4 (MANE Select); coding-DNA position 166, G replaced by A.
Protein change: p.Gly56Ser; replaces glycine 56 with serine.
Molecular consequence: missense variant.
Genome position (GRCh38, 1-based): chr1:160,339,971, C>T on the plus strand (G>A on the coding strand, the complement: COPA is on the minus strand). VCF-style: chr1-160339971-C-T. GRCh37 (hg19) VCF-style: chr1-160309761-C-T.
Other names: c.166G>A (NM_001098398.1); c.166G>A, p.Gly56Ser (NM_001098398.2); short protein forms G56S.
Identifiers: ClinVar variation 2719481 (VCV002719481.6), dbSNP rs1474470074, ClinGen allele CA343272917.